The following is an entry in ClinVar:

ClinVar aggregate classification (germline): Uncertain significance (1 of 4 stars; one submission).

Conditions:
NRP1-related disorder. Also called: NRP1-related condition.

gnomAD v4.1: 12 of 1,614,112 alleles (0.00074%); highest among the groups gnomAD compares: East Asian, 0.025%; no homozygotes.

Submission:

PreventionGenetics, part of Exact Sciences
Classification: Uncertain significance for NRP1-related condition. Last evaluated: 2026-08-18. Review status: criteria provided, single submitter. Criteria: ACMG Guidelines, 2015. Collection method: clinical testing. Allele origin: germline.
Comment: The NRP1 c.2633T>C variant is predicted to result in the amino acid substitution p.Val878Ala. This variant has been reported in the heterozygous state with variants in the IL17RD and PROKR2 genes in an individual with isolated hypogonadotropic hypogonadism (Men et al. 2021. PubMed ID: 34636164). This variant is reported in 0.060% of alleles in individuals of East Asian descent in gnomAD. At this time, the clinical significance of this variant is uncertain due to the absence of conclusive functional and genetic evidence.

NM_003873.7(NRP1):c.2633T>C (p.Val878Ala)

Gene: NRP1 (neuropilin 1; minus strand). Cytogenetic location: 10p11.22.
Variant type: single nucleotide variant.
Coding change: c.2633T>C on transcript NM_003873.7 (MANE Select); coding-DNA position 2633, T replaced by C.
Protein change: p.Val878Ala; replaces valine 878 with alanine.
Molecular consequence: missense variant. On other transcripts: non-coding transcript variant (1).
Genome position (GRCh38, 1-based): chr10:33,180,215, A>G on the plus strand (T>C on the coding strand, the complement: NRP1 is on the minus strand). VCF-style: chr10-33180215-A-G. GRCh37 (hg19) VCF-style: chr10-33469143-A-G.
Other names: c.2615T>C, p.Val872Ala (NM_001244972.2); c.2612T>C, p.Val871Ala (NM_001244973.2); c.2582T>C, p.Val861Ala (NM_001330068.2); short protein forms V871A, V861A, V872A, V878A.
Identifiers: ClinVar variation 4978211 (VCV004978211.1).